The following is an entry in ClinVar:

NM_001127392.3(MYRF):c.1612G>A (p.Glu538Lys)

Gene: MYRF (myelin regulatory factor; plus strand). Cytogenetic location: 11q12.2.
Variant type: single nucleotide variant.
Coding change: c.1612G>A on transcript NM_001127392.3 (MANE Select); coding-DNA position 1612, G replaced by A.
Protein change: p.Glu538Lys; replaces glutamic acid 538 with lysine.
Molecular consequence: missense variant.
Genome position (GRCh38, 1-based): chr11:61,777,285, G>A. VCF-style: chr11-61777285-G-A. GRCh37 (hg19) VCF-style: chr11-61544757-G-A.
Other names: c.1585G>A, p.Glu529Lys (NM_013279.4); short protein forms E529K, E538K.
Identifiers: ClinVar variation 3367560 (VCV003367560.2).

ClinVar aggregate classification (germline): Uncertain significance (1 of 4 stars; one submission).

Submission:

GeneDx
Classification: Uncertain significance. Last evaluated: 2026-07-10. Review status: criteria provided, single submitter. Criteria: GeneDx Variant Classification Process June 2021. Collection method: clinical testing. Allele origin: germline.
Comment: Not observed at significant frequency in large population cohorts (gnomAD); In silico analysis supports that this missense variant has a deleterious effect on protein structure/function; Has not been previously published as pathogenic or benign to our knowledge